The following is an entry in ClinVar:

ClinVar aggregate classification (germline): Uncertain significance (1 of 4 stars; one submission).

Conditions:
Combined immunodeficiency due to DOCK8 deficiency (HIES2). Also called: HIES autosomal recessive; Hyper-IgE recurrent infection syndrome, autosomal recessive; DOCK8 Deficiency; HYPER-IgE RECURRENT INFECTION SYNDROME 2, AUTOSOMAL RECESSIVE; HYPER-IgE SYNDROME 2, AUTOSOMAL RECESSIVE, WITH RECURRENT INFECTIONS. Identifiers: Orphanet 217390, MedGen C4722305, MONDO:0009478, OMIM 243700.

Allele frequency attached by ClinVar (database versions not stated): TOPMed below 0.00001; gnomAD 0.00001.
gnomAD v4.1: 1 of 1,614,078 alleles (0.000062%); highest among the groups gnomAD compares: African/African-American, 0.0013%; no homozygotes.

Submission:

Labcorp Genetics (formerly Invitae), Labcorp
Classification: Uncertain significance for Combined immunodeficiency due to DOCK8 deficiency. Last evaluated: 2019-01-28. Review status: criteria provided, single submitter. Criteria: Invitae Variant Classification Sherloc (09022015). Collection method: clinical testing. Allele origin: germline.
Comment: In summary, the available evidence is currently insufficient to determine the role of this variant in disease. Therefore, it has been classified as a Variant of Uncertain Significance. Algorithms developed to predict the effect of missense changes on protein structure and function are either unavailable or do not agree on the potential impact of this missense change (SIFT: "Deleterious"; PolyPhen-2: "Probably Damaging"; Align-GVGD: "Class C0"). This variant has not been reported in the literature in individuals with DOCK8-related conditions. This variant is not present in population databases (ExAC no frequency). This sequence change replaces aspartic acid with tyrosine at codon 626 of the DOCK8 protein (p.Asp626Tyr). The aspartic acid residue is highly conserved and there is a large physicochemical difference between aspartic acid and tyrosine.

NM_203447.4(DOCK8):c.1876G>T (p.Asp626Tyr)

Gene: DOCK8 (dedicator of cytokinesis 8; plus strand). Cytogenetic location: 9p24.3.
Variant type: single nucleotide variant.
Coding change: c.1876G>T on transcript NM_203447.4 (MANE Select); coding-DNA position 1876, G replaced by T.
Protein change: p.Asp626Tyr; replaces aspartic acid 626 with tyrosine.
Molecular consequence: missense variant.
Genome position (GRCh38, 1-based): chr9:371,435, G>T. VCF-style: chr9-371435-G-T. GRCh37 (hg19) VCF-style: chr9-371435-G-T.
Other names: c.1672G>T, p.Asp558Tyr (NM_001190458.2, NM_001193536.2); short protein forms D558Y, D626Y.
Identifiers: ClinVar variation 640751 (VCV000640751.11), dbSNP rs763872135, ClinGen allele CA372761355.